The following is an entry in ClinVar:

ClinVar aggregate classification (germline): Uncertain significance (1 of 4 stars; one submission).

Allele frequency attached by ClinVar (database versions not stated): TOPMed below 0.00001; gnomAD 0.00001.
gnomAD v4.1: 1 of 1,544,338 alleles (0.000065%); highest among the groups gnomAD compares: African/African-American, 0.0014%; no homozygotes.

Submission:

Labcorp Genetics (formerly Invitae), Labcorp
Classification: Uncertain significance. Last evaluated: 2025-07-28. Review status: criteria provided, single submitter. Criteria: Invitae Variant Classification Sherloc (09022015). Collection method: clinical testing. Allele origin: germline.
Comment: This sequence change replaces glutamic acid, which is acidic and polar, with aspartic acid, which is acidic and polar, at codon 387 of the RIMS1 protein (p.Glu387Asp). This variant is not present in population databases (gnomAD no frequency). This variant has not been reported in the literature in individuals affected with RIMS1-related conditions. ClinVar contains an entry for this variant (Variation ID: 2797935). An algorithm developed to predict the effect of missense changes on protein structure and function (PolyPhen-2) suggests that this variant is likely to be tolerated. In summary, the available evidence is currently insufficient to determine the role of this variant in disease. Therefore, it has been classified as a Variant of Uncertain Significance.

NM_014989.7(RIMS1):c.1161G>C (p.Glu387Asp)

Gene: RIMS1 (regulating synaptic membrane exocytosis 1; plus strand). Cytogenetic location: 6q13.
Variant type: single nucleotide variant.
Coding change: c.1161G>C on transcript NM_014989.7 (MANE Select); coding-DNA position 1161, G replaced by C.
Protein change: p.Glu387Asp; replaces glutamic acid 387 with aspartic acid.
Molecular consequence: missense variant.
Genome position (GRCh38, 1-based): chr6:72,182,632, G>C. VCF-style: chr6-72182632-G-C. GRCh37 (hg19) VCF-style: chr6-72892335-G-C.
Other names: short protein forms E387D.
Identifiers: ClinVar variation 2797935 (VCV002797935.3), dbSNP rs1301554358, ClinGen allele CA364820390.